The following is an entry in ClinVar:

ClinVar aggregate classification (germline): Uncertain significance (1 of 4 stars; one submission).

gnomAD v4.1: 7 of 1,613,864 alleles (0.00043%); highest among the groups gnomAD compares: African/African-American, 0.0013%; no homozygotes.

Submission:

Labcorp Genetics (formerly Invitae), Labcorp
Classification: Uncertain significance. Last evaluated: 2025-01-11. Review status: criteria provided, single submitter. Criteria: Invitae Variant Classification Sherloc (09022015). Collection method: clinical testing. Allele origin: germline.
Comment: This sequence change replaces arginine, which is basic and polar, with glutamine, which is neutral and polar, at codon 997 of the JAK1 protein (p.Arg997Gln). This variant is not present in population databases (gnomAD no frequency). This variant has not been reported in the literature in individuals affected with JAK1-related conditions. Invitae Evidence Modeling of protein sequence and biophysical properties (such as structural, functional, and spatial information, amino acid conservation, physicochemical variation, residue mobility, and thermodynamic stability) indicates that this missense variant is not expected to disrupt JAK1 protein function with a negative predictive value of 80%. In summary, the available evidence is currently insufficient to determine the role of this variant in disease. Therefore, it has been classified as a Variant of Uncertain Significance.

NM_002227.4(JAK1):c.2990G>A (p.Arg997Gln)

Gene: JAK1 (Janus kinase 1; minus strand). Cytogenetic location: 1p31.3.
Variant type: single nucleotide variant.
Coding change: c.2990G>A on transcript NM_002227.4 (MANE Select); coding-DNA position 2990, G replaced by A.
Protein change: p.Arg997Gln; replaces arginine 997 with glutamine.
Molecular consequence: missense variant.
Genome position (GRCh38, 1-based): chr1:64,838,082, C>T on the plus strand (G>A on the coding strand, the complement: JAK1 is on the minus strand). VCF-style: chr1-64838082-C-T. GRCh37 (hg19) VCF-style: chr1-65303765-C-T.
Other names: c.2990G>A, p.Arg997Gln (NM_001321853.2, NM_001321854.2, NM_001321855.2 and 3 more transcripts); c.2987G>A, p.Arg996Gln (NM_001321857.2); short protein forms R996Q, R997Q.
Identifiers: ClinVar variation 3676192 (VCV003676192.2).
Genomic context (GRCh38, chr1:64,838,082, plus strand): 5'-ACTTGGTGTTCACTCTCAACAAGGACATTTCTTGCTGCCAAGTCCCGGTGAACGTATTGC[C>T]GAGAACCCAAATAGTCCATCCCCTGAGAGAGAGAAGTAAAAGTCAAGCACATTGCTAAAG-3'
Protein context (NP_002218.2, residues 987-1007): ICKGMDYLGS[Arg997Gln]QYVHRDLAAR